The following is an entry in ClinVar:

ClinVar aggregate classification (germline): Benign/Likely benign. Review status: criteria provided, multiple submitters, no conflicts (2 of 4 stars). 23 submissions from 22 submitters: Benign (15); Likely benign (2). 6 of the submissions do not count toward it. Last evaluated 2026-02-04.

Conditions:
POLG-related disorder. Also called: POLG-related condition; POLG-Related Disorders; POLG-Related Spectrum Disorders. Identifiers: MedGen C4763519.
Mitochondrial DNA depletion syndrome 4b. Also called: Mitochondrial Neurogastrointestinal Encephalopathy Disease, POLG-Related; MNGIE, POLG-RELATED. Identifiers: Orphanet 298, MedGen C3150914, MONDO:0013350, OMIM 613662.
Progressive external ophthalmoplegia with mitochondrial DNA deletions, autosomal recessive 1 (PEOB1). Also called: Autosomal Recessive Progressive External Ophthalmoplegia (arPEO); Progressive external ophthalmoplegia, autosomal recessive 1. Identifiers: Orphanet 254886, MedGen C4225153, MONDO:0009783, OMIM 258450.
Sensory ataxic neuropathy, dysarthria, and ophthalmoparesis (SANDO). Also called: Epilepsy, progressive myoclonic, type 5; Sensory ataxic neuropathy-dysarthria-ophthalmoparesis syndrome; Ataxia Neuropathy Spectrum (ANS); SENSORY ATAXIC NEUROPATHY WITH MITOCHONDRIAL DNA DELETIONS, AUTOSOMAL RECESSIVE. Identifiers: Orphanet 70595, MedGen C1843851, MONDO:0011835, OMIM 607459.
Mitochondrial DNA depletion syndrome 1. Also called: Mitochondrial DNA depletion syndrome 1 (MNGIE type); Mitochondrial neurogastrointestinal encephalomyopathy syndrome; Mitochondrial DNA Depletion Syndrome, MNGIE Form; POLIP SYNDROME; POLYNEUROPATHY, OPHTHALMOPLEGIA, LEUKOENCEPHALOPATHY, AND INTESTINAL PSEUDOOBSTRUCTION; Mitochondrial Neurogastrointestinal Encephalopathy Disease. Identifiers: Orphanet 298, MedGen C4551995, MONDO:0011283, OMIM 603041.
Progressive external ophthalmoplegia with mitochondrial DNA deletions, autosomal dominant 1 (PEOA1). Also called: Autosomal Dominant Progressive External Ophthalmoplegia (adPEO); PROGRESSIVE EXTERNAL OPHTHALMOPLEGIA, AUTOSOMAL DOMINANT 1. Identifiers: MedGen C1834846, MONDO:0024528, OMIM 157640.
Progressive sclerosing poliodystrophy (MTDPS4A). Also called: ALPERS PROGRESSIVE INFANTILE POLIODYSTROPHY; Alpers Syndrome; Mitochondrial DNA Depletion Syndrome 4A; Mitochondrial DNA depletion syndrome 4A (Alpers type); NEURONAL DEGENERATION OF CHILDHOOD WITH LIVER DISEASE, PROGRESSIVE; ALPERS DIFFUSE DEGENERATION OF CEREBRAL GRAY MATTER WITH HEPATIC CIRRHOSIS. Identifiers: Orphanet 726, MedGen C0205710, MONDO:0008758, OMIM 203700.
Inborn genetic diseases. Identifiers: MedGen C0950123, MeSH D030342.
Hereditary spastic paraplegia. Also called: Familial spastic paraparesis. Identifiers: Orphanet 685, MedGen C0037773, MONDO:0019064. Disease mechanism: loss of function.
Fanconi anemia complementation group I (FANCI). Also called: FANCI-Related Fanconi Anemia. Identifiers: Orphanet 84, MedGen C1836861, MONDO:0012186, OMIM 609053.

Allele frequency attached by ClinVar (database versions not stated): gnomAD 0.06023 and 0.06272; ExAC 0.06136; 1000 Genomes Project 30x 0.02670; 1000 Genomes Project 0.02696; TOPMed 0.05153; ESP Exome Variant Server 0.05955; gnomAD exomes 0.06143 and 0.07395.
gnomAD v4.1: 117,025 of 1,612,344 alleles (7.3%); highest among the groups gnomAD compares: Middle Eastern, 8.4%; 5,095 homozygotes.

Submissions 1 to 13 of 23:

Labcorp Genetics (formerly Invitae), Labcorp
Classification: Benign for Progressive sclerosing poliodystrophy. Last evaluated: 2026-02-04. Review status: criteria provided, single submitter. Criteria: Invitae Variant Classification Sherloc (09022015). Collection method: clinical testing. Allele origin: germline.

ARUP Laboratories, Molecular Genetics and Genomics, ARUP Laboratories
Classification: Benign. Last evaluated: 2025-05-06. Review status: criteria provided, single submitter. Criteria: ARUP Molecular Germline Variant Investigation Process 2024. Collection method: clinical testing. Allele origin: germline.

Blueprint Genetics
Classification: Benign. Last evaluated: 2024-11-27. Review status: criteria provided, single submitter. Criteria: ACMG Guidelines, 2015. Collection method: clinical testing. Allele origin: germline.

Women's Health and Genetics/Laboratory Corporation of America, LabCorp
Classification: Likely benign. Last evaluated: 2024-11-26. Review status: criteria provided, single submitter. Criteria: LabCorp Variant Classification Summary - May 2015. Collection method: clinical testing. Allele origin: germline.

Athena Diagnostics
Classification: Benign. Last evaluated: 2024-03-13. Review status: criteria provided, single submitter. Criteria: Athena Diagnostics Criteria. Collection method: clinical testing. Allele origin: unknown.

Victorian Clinical Genetics Services, Murdoch Childrens Research Institute
Classification: Benign for Progressive external ophthalmoplegia with mitochondrial DNA deletions, autosomal dominant 1. Last evaluated: 2022-06-24. Review status: criteria provided, single submitter. Criteria: ACMG Guidelines, 2015. Collection method: clinical testing. Allele origin: germline.
Comment: Based on the classification scheme VCGS_Germline_v1.3.4, this variant is classified as Benign. Following criteria are met: 0102 - Loss of function is a known mechanism of disease in this gene and is associated with POLG-related mitochondrial disorder. (I) 0108 - This gene is associated with both recessive and dominant disease. Variants are usually inherited in a recessive manner, however progressive external ophthalmoplegia can also be dominant when heterozygous variants are located in the highly conserved active site of motif B of the polymerase domain (PMID: 30451971). (I) 0200 - Variant is predicted to result in a missense amino acid change from glutamine to histidine. (I) 0251 - This variant is heterozygous. (I) 0308 - Population frequency for this variant is out of keeping with known incidence of POLG-related mitochondrial disorder (v2: 15912 heterozygotes, 814 homozygotes). (SB) 0503 - Missense variant consistently predicted to be tolerated by multiple in silico tools or not conserved in placental mammals with a minor amino acid change. (SB) 0604 - Variant is not located in an established domain, motif, hotspot or informative constraint region. (I) 0705 - No comparable missense variants have previous evidence for pathogenicity. (I) 0805 - This variant has strong previous evidence of being benign in unrelated individuals. This variant has been classified multiple times as benign by clinical diagnostic laboratories and is commonly referred to as a polymorphism in the literature (ClinVar, PMIDs: 22237560, 25488682, 28130605). (SB) 1208 - Inheritance information for this variant is not currently available in this individual. (I) Legend: (SP) - Supporting pathogenic, (I) - Information, (SB) - Supporting benign

Genome Diagnostics Laboratory, The Hospital for Sick Children
Classification: Benign for Hereditary spastic paraplegia. Last evaluated: 2021-12-18. Review status: criteria provided, single submitter. Criteria: ACMG Guidelines, 2015. Collection method: clinical testing. Allele origin: germline. Affected: yes.

Fulgent Genetics
Classification: Benign for Progressive external ophthalmoplegia with mitochondrial DNA deletions, autosomal dominant 1; Progressive sclerosing poliodystrophy; Progressive external ophthalmoplegia with mitochondrial DNA deletions, autosomal recessive 1; Mitochondrial DNA depletion syndrome 1; Sensory ataxic neuropathy, dysarthria, and ophthalmoparesis; Mitochondrial DNA depletion syndrome 4b. Last evaluated: 2021-11-19. Review status: criteria provided, single submitter. Criteria: ACMG Guidelines, 2015. Collection method: clinical testing. Allele origin: unknown.

Wong Mito Lab, Molecular and Human Genetics, Baylor College of Medicine
Classification: Benign for Progressive sclerosing poliodystrophy. Last evaluated: 2018-10-01. Review status: criteria provided, single submitter. Criteria: ACMG Guidelines, 2015. Collection method: clinical testing. Allele origin: germline.
Comment: The NM_002693.2:c.3708G>T (NP_002684.1:p.Gln1236His) [GRCH38: NC_000015.10:g.89316763C>A] variant in FANCI gene is interpretated to be a Benign based on ACMG guidelines (PMID: 25741868). This variant meets the following evidence codes reported in the ACMG-guideline. BS1:The minor allele frequency of this allele is high for Mitochondrial DNA depletion syndrome 4A (Alpers type). BS2:Observation of the variant in controls is inconsistent with penetrance of Mitochondrial DNA depletion syndrome 4A (Alpers type). BP4:Computational evidence/predictors indicate no impact on the FANCI structure, function, or protein-protein interaction. Based on the evidence criteria codes applied, the variant is suggested to be Benign.

Illumina Laboratory Services, Illumina
Classification: Benign for POLG-Related Spectrum Disorders. Last evaluated: 2018-03-06. Review status: criteria provided, single submitter. Criteria: ICSL Variant Classification Criteria 13 December 2019. Collection method: clinical testing. Allele origin: germline.
Comment: This variant was observed in the ICSL laboratory as part of a predisposition screen in an ostensibly healthy population. It had not been previously curated by ICSL or reported in the Human Gene Mutation Database (HGMD: prior to June 1st, 2018), and was therefore a candidate for classification through an automated scoring system. Utilizing variant allele frequency, disease prevalence and penetrance estimates, and inheritance mode, an automated score was calculated to assess if this variant is too frequent to cause the disease. Based on the score and internal cut-off values, a variant classified as benign is not then subjected to further curation. The score for this variant resulted in a classification of benign for this disease.

Illumina Laboratory Services, Illumina
Classification: Benign for Fanconi anemia complementation group I. Last evaluated: 2018-03-06. Review status: criteria provided, single submitter. Criteria: ICSL Variant Classification Criteria 13 December 2019. Collection method: clinical testing. Allele origin: germline.
Comment: the same text as in the submission from Illumina Laboratory Services, Illumina above.

Eurofins Ntd Llc (ga)
Classification: Benign. Last evaluated: 2016-03-16. Review status: criteria provided, single submitter. Criteria: EGL Classification Definitions 2015. Collection method: clinical testing. Allele origin: germline. Observed: 3 variant alleles, 3 heterozygotes.

Ambry Genetics
Classification: Benign for Inborn genetic diseases. Last evaluated: 2016-03-15. Review status: criteria provided, single submitter. Criteria: Ambry Variant Classification Scheme 2023. Collection method: clinical testing. Allele origin: germline.

NM_002693.3(POLG):c.3708G>T (p.Gln1236His)

Genes: POLG (DNA polymerase gamma, catalytic subunit; minus strand), FANCI (FA complementation group I; plus strand). Cytogenetic location: 15q26.1.
Variant type: single nucleotide variant.
Coding change: c.3708G>T on transcript NM_002693.3 (MANE Select); coding-DNA position 3708, G replaced by T.
Protein change: p.Gln1236His; replaces glutamine 1236 with histidine.
Molecular consequence: missense variant. On other transcripts: 3 prime UTR variant (4).
Genome position (GRCh38, 1-based): chr15:89,316,763, C>A on the plus strand (G>T on the coding strand, the complement: POLG is on the minus strand). VCF-style: chr15-89316763-C-A. GRCh37 (hg19) VCF-style: chr15-89859994-C-A.
Other names: c.3708G>T, p.Gln1236His (NM_001126131.2); c.*304C>A (NM_001113378.2, NM_001376910.1, NM_001376911.1 and 1 more transcripts); short protein forms Q1236H.
Identifiers: ClinVar variation 21316 (VCV000021316.54), dbSNP rs3087374, ClinGen allele CA154730.